The following is an entry in ClinVar:

ClinVar aggregate classification (germline): Uncertain significance. Review status: criteria provided, multiple submitters, no conflicts (2 of 4 stars). 3 submissions from 3 submitters: Uncertain significance (3). Last evaluated 2022-10-05.

Conditions:
Inborn genetic diseases. Identifiers: MedGen C0950123, MeSH D030342.
Autosomal recessive limb-girdle muscular dystrophy type 2P. Also called: MUSCULAR DYSTROPHY, LIMB-GIRDLE, TYPE 2P; MUSCULAR DYSTROPHY-DYSTROGLYCANOPATHY, LIMB-GIRDLE, DAG1-RELATED; Limb-Girdle Muscular Dystrophy Type 9C. Identifiers: Orphanet 280333, MedGen C4511963, MONDO:0013440, OMIM 613818.
Muscular dystrophy-dystroglycanopathy (congenital with brain and eye anomalies), type A9. Also called: Muscular dystrophy-dystroglycanopathy (congenital with brain and eye anomalies), type a, 9; WALKER-WARBURG SYNDROME OR MUSCLE-EYE BRAIN DISEASE, DAG1-RELATED. Identifiers: Orphanet 370997, Orphanet 899, MedGen C4225291, MONDO:0014683, OMIM 616538.

Allele frequency attached by ClinVar (database versions not stated): TOPMed below 0.00001.

Submissions (3):

Labcorp Genetics (formerly Invitae), Labcorp
Classification: Uncertain significance for Autosomal recessive limb-girdle muscular dystrophy type 2P; Muscular dystrophy-dystroglycanopathy (congenital with brain and eye anomalies), type A9. Last evaluated: 2022-10-05. Review status: criteria provided, single submitter. Criteria: Invitae Variant Classification Sherloc (09022015). Collection method: clinical testing. Allele origin: germline.
Comment: This sequence change replaces lysine, which is basic and polar, with threonine, which is neutral and polar, at codon 572 of the DAG1 protein (p.Lys572Thr). This variant is present in population databases (rs374936878, gnomAD 0.004%). This variant has not been reported in the literature in individuals affected with DAG1-related conditions. ClinVar contains an entry for this variant (Variation ID: 1356937). Advanced modeling of protein sequence and biophysical properties (such as structural, functional, and spatial information, amino acid conservation, physicochemical variation, residue mobility, and thermodynamic stability) performed at Invitae indicates that this missense variant is not expected to disrupt DAG1 protein function. In summary, the available evidence is currently insufficient to determine the role of this variant in disease. Therefore, it has been classified as a Variant of Uncertain Significance.

Ambry Genetics
Classification: Uncertain significance for Inborn genetic diseases. Last evaluated: 2021-06-18. Review status: criteria provided, single submitter. Criteria: Ambry Variant Classification Scheme 2023. Collection method: clinical testing. Allele origin: germline.

Revvity Omics, Revvity
Classification: Uncertain significance. Last evaluated: 2021-01-25. Review status: criteria provided, single submitter. Criteria: ACMG Guidelines, 2015. Collection method: clinical testing. Allele origin: germline.

NM_004393.6(DAG1):c.1715A>C (p.Lys572Thr)

Gene: DAG1 (dystroglycan 1; plus strand). Cytogenetic location: 3p21.31.
Variant type: single nucleotide variant.
Coding change: c.1715A>C on transcript NM_004393.6 (MANE Select); coding-DNA position 1715, A replaced by C.
Protein change: p.Lys572Thr; replaces lysine 572 with threonine.
Molecular consequence: missense variant.
Genome position (GRCh38, 1-based): chr3:49,532,226, A>C. VCF-style: chr3-49532226-A-C. GRCh37 (hg19) VCF-style: chr3-49569659-A-C.
Other names: c.1715A>C (NM_004393.4); c.1715A>C, p.Lys572Thr (NM_001165928.4, NM_001177634.3, NM_001177635.3 and 9 more transcripts); short protein forms K572T.
Identifiers: ClinVar variation 1356937 (VCV001356937.6), dbSNP rs374936878, ClinGen allele CA2399128.
Genomic context (GRCh38, chr3:49,532,226, plus strand): 5'-TACAGTTCAACAGCAACAGCCAGCTCATGTATGGCCTTCCCGACAGCAGCCACGTGGGCA[A>C]ACACGAGTATTTCATGCATGCCACAGACAAGGGGGGCCTGTCGGCTGTGGATGCCTTCGA-3'
Protein context (NP_004384.5, residues 562-582): YGLPDSSHVG[Lys572Thr]HEYFMHATDK